The following is an entry in ClinVar:

NM_001846.4(COL4A2):c.1493T>C (p.Leu498Pro)

Genes: COL4A2 (collagen type IV alpha 2 chain; plus strand), COL4A2-AS2 (COL4A2 antisense RNA 2; minus strand). Cytogenetic location: 13q34.
Variant type: single nucleotide variant.
Coding change: c.1493T>C on transcript NM_001846.4 (MANE Select); coding-DNA position 1493, T replaced by C.
Protein change: p.Leu498Pro; replaces leucine 498 with proline.
Molecular consequence: missense variant.
Genome position (GRCh38, 1-based): chr13:110,458,831, T>C. VCF-style: chr13-110458831-T-C. GRCh37 (hg19) VCF-style: chr13-111111178-T-C.
Other names: short protein forms L498P.
Identifiers: ClinVar variation 4686779 (VCV004686779.1).

ClinVar aggregate classification (germline): Uncertain significance (1 of 4 stars; one submission).

gnomAD v4.1: 8 of 1,613,786 alleles (0.0005%); highest among the groups gnomAD compares: Admixed American, 0.0067%; no homozygotes.

Submission:

GeneDx
Classification: Uncertain significance. Last evaluated: 2025-07-24. Review status: criteria provided, single submitter. Criteria: GeneDx Variant Classification Process June 2021. Collection method: clinical testing. Allele origin: germline. Affected: yes.
Comment: Occurs in the triple helical domain at the X position in the canonical Gly-X-Y repeat; although this variant may have an effect on normal protein folding and function, missense substitution at the X position is not a common mechanism of disease; In silico analysis indicates that this missense variant does not alter protein structure/function; Has not been previously published as pathogenic or benign to our knowledge